The following is an entry in ClinVar:

NM_182914.3(SYNE2):c.4864ATT[1] (p.Ile1623del)

Gene: SYNE2 (spectrin repeat containing nuclear envelope protein 2; plus strand). Cytogenetic location: 14q23.2.
Variant type: Microsatellite.
Coding change: c.4864ATT[1] on transcript NM_182914.3 (MANE Select); one copy of the 3-base unit ATT starting at c.4864; the reference has two copies in a row; one copy, 3 bases deleted.
Protein change: p.Ile1623del; deletes isoleucine 1623.
Molecular consequence: inframe deletion.
Genome position (GRCh38, 1-based): chr14:64,016,611-64,016,613, ATT deleted; deleting any 3 consecutive bases within chr14:64,016,607-64,016,613 gives the same sequence; the position shown is the placement nearest the transcript's 3' end. VCF-style (leftmost placement, unchanged base first): chr14-64016606-ATAT-A. GRCh37 (hg19) VCF-style: chr14-64483324-ATAT-A.
Other names: c.4864ATT[1], p.Ile1623del (NM_015180.6); short protein forms I1623del.
Identifiers: ClinVar variation 1334085 (VCV001334085.11), dbSNP rs1430734342, ClinGen allele CA486694005.

ClinVar aggregate classification (germline): Uncertain significance. Review status: criteria provided, multiple submitters, no conflicts (2 of 4 stars). 3 submissions from 3 submitters: Uncertain significance (3). Last evaluated 2024-05-24.

Conditions:
Emery-Dreifuss muscular dystrophy 5, autosomal dominant (EDMD5). Also called: EMERY-DREIFUSS MUSCULAR DYSTROPHY 5. Identifiers: Orphanet 261, MedGen C2751805, MONDO:0013072, OMIM 612999.

Submissions (3):

Labcorp Genetics (formerly Invitae), Labcorp
Classification: Uncertain significance for Emery-Dreifuss muscular dystrophy 5, autosomal dominant. Last evaluated: 2024-05-24. Review status: criteria provided, single submitter. Criteria: Invitae Variant Classification Sherloc (09022015). Collection method: clinical testing. Allele origin: germline.
Comment: This variant, c.4867_4869del, results in the deletion of 1 amino acid(s) of the SYNE2 protein (p.Ile1623del), but otherwise preserves the integrity of the reading frame. This variant is not present in population databases (gnomAD no frequency). This variant has not been reported in the literature in individuals affected with SYNE2-related conditions. ClinVar contains an entry for this variant (Variation ID: 1334085). Experimental studies and prediction algorithms are not available or were not evaluated, and the functional significance of this variant is currently unknown. In summary, the available evidence is currently insufficient to determine the role of this variant in disease. Therefore, it has been classified as a Variant of Uncertain Significance.

Revvity Omics, Revvity
Classification: Uncertain significance for Emery-Dreifuss muscular dystrophy 5, autosomal dominant. Last evaluated: 2021-12-02. Review status: criteria provided, single submitter. Criteria: ACMG Guidelines, 2015. Collection method: clinical testing. Allele origin: germline.

CENTOGENE GmbH and LLC - Guiding Precision Medicine
Classification: Uncertain significance for Emery-Dreifuss muscular dystrophy 5, autosomal dominant. Last evaluated: 2021-04-29. Review status: criteria provided, single submitter. Criteria: ACMG Guidelines, 2015. Collection method: clinical testing. Allele origin: germline.